The following is an entry in ClinVar:

ClinVar aggregate classification (germline): Likely pathogenic (1 of 4 stars; one submission).

Conditions:
Hereditary spastic paraplegia 43. Also called: Spastic paraplegia 43, autosomal recessive. Identifiers: Orphanet 320370, MedGen C2680446, MONDO:0014024, OMIM 615043.

Submission:

Labcorp Genetics (formerly Invitae), Labcorp
Classification: Likely pathogenic for Hereditary spastic paraplegia 43. Last evaluated: 2025-10-02. Review status: criteria provided, single submitter. Criteria: Invitae Variant Classification Sherloc (09022015). Collection method: clinical testing. Allele origin: germline.
Comment: This sequence change falls in intron 2 of the C19orf12 gene. It does not directly change the encoded amino acid sequence of the C19orf12 protein. It affects a nucleotide within the consensus splice site. This variant is not present in population databases (gnomAD no frequency). This variant has been observed in individual(s) with autosomal recessive mitochondrial membrane protein-associated neurodegeneration (MPAN) (PMID: 23269600, 29915382, 35188090). ClinVar contains an entry for this variant (Variation ID: 3703741). Variants that disrupt the consensus splice site are a relatively common cause of aberrant splicing (PMID: 17576681, 9536098). Algorithms developed to predict the effect of sequence changes on RNA splicing suggest that this variant may disrupt the consensus splice site. In summary, the currently available evidence indicates that the variant is pathogenic, but additional data are needed to prove that conclusively. Therefore, this variant has been classified as Likely Pathogenic.

Literature cited by the submitters: PubMed 23269600; PubMed 29915382; PubMed 35188090; PubMed 17576681; PubMed 9536098.

NM_031448.6(C19orf12):c.161-2A>T

Gene: C19orf12 (chromosome 19 open reading frame 12; minus strand). Cytogenetic location: 19q12.
Variant type: single nucleotide variant.
Coding change: c.161-2A>T on transcript NM_031448.6 (MANE Select); the canonical splice acceptor site of the intron before coding-DNA position 161, A replaced by T.
Molecular consequence: splice acceptor variant.
Genome position (GRCh38, 1-based): chr19:29,702,979, T>A on the plus strand (A>T on the coding strand, the complement: C19orf12 is on the minus strand). VCF-style: chr19-29702979-T-A. GRCh37 (hg19) VCF-style: chr19-30193886-T-A.
Other names: c.-32-2A>T (NM_001282929.1, NM_001282930.3, NM_001282931.3); c.161-2A>T (NM_001256047.2, NM_001256046.3, NM_001031726.4).
Identifiers: ClinVar variation 3703741 (VCV003703741.2).